The following is an entry in ClinVar:

ClinVar aggregate classification (germline): Uncertain significance (1 of 4 stars; one submission).

Submission:

GeneDx
Classification: Uncertain significance. Last evaluated: 2019-08-14. Review status: criteria provided, single submitter. Criteria: GeneDx Variant Classification Process June 2021. Collection method: clinical testing. Allele origin: germline. Affected: yes.
Comment: Not observed in large population cohorts (Lek et al., 2016); In silico analysis, which includes protein predictors and evolutionary conservation, supports a deleterious effect; Has not been previously published as pathogenic or benign to our knowledge

NM_001005273.3(CHD3):c.556A>G (p.Met186Val)

Gene: CHD3 (chromodomain helicase DNA binding protein 3; plus strand). Cytogenetic location: 17p13.1.
Variant type: single nucleotide variant.
Coding change: c.556A>G on transcript NM_001005273.3 (MANE Select); coding-DNA position 556, A replaced by G.
Protein change: p.Met186Val; replaces methionine 186 with valine.
Molecular consequence: missense variant.
Genome position (GRCh38, 1-based): chr17:7,893,332, A>G. VCF-style: chr17-7893332-A-G. GRCh37 (hg19) VCF-style: chr17-7796650-A-G.
Other names: c.733A>G, p.Met245Val (NM_001005271.3); c.556A>G, p.Met186Val (NM_005852.4); short protein forms M186V, M245V.
Identifiers: ClinVar variation 1216249 (VCV001216249.3), dbSNP rs2151493103, ClinGen allele CA397936022.